The following is an entry in ClinVar:

NM_021620.4(PRDM13):c.773C>T (p.Ala258Val)

Gene: PRDM13 (PR/SET domain 13; plus strand). Cytogenetic location: 6q16.2.
Variant type: single nucleotide variant.
Coding change: c.773C>T on transcript NM_021620.4 (MANE Select); coding-DNA position 773, C replaced by T.
Protein change: p.Ala258Val; replaces alanine 258 with valine.
Molecular consequence: missense variant.
Genome position (GRCh38, 1-based): chr6:99,613,408, C>T. VCF-style: chr6-99613408-C-T. GRCh37 (hg19) VCF-style: chr6-100061284-C-T.
Other names: short protein forms A258V.
Identifiers: ClinVar variation 3391216 (VCV003391216.2).

ClinVar aggregate classification (germline): Uncertain significance. Review status: criteria provided, multiple submitters, no conflicts (2 of 4 stars). 2 submissions from 2 submitters: Uncertain significance (2). Last evaluated 2023-07-22.

Conditions:
Cerebellar dysfunction, impaired intellectual development, and hypogonadotropic hypogonadism (CDIDHH). Identifiers: MedGen C5676924, MONDO:0859229, OMIM 619761.

Submissions (2):

Neuberg Centre For Genomic Medicine, NCGM
Classification: Uncertain significance for Cerebellar dysfunction, impaired intellectual development, and hypogonadotropic hypogonadism. Last evaluated: 2023-07-22. Review status: criteria provided, single submitter. Criteria: ACMG Guidelines, 2015. Collection method: clinical testing. Allele origin: germline. Inheritance: Autosomal recessive inheritance. Affected: yes.
Comment: The missense variant c.773C>Tp.Ala258Val in PRDM13 gene has not been reported previously as a pathogenic variant nor as a benign variant, to our knowledge. The observed variant is absent in gnomAD exomes database. This variant has not been submitted to the ClinVar database. Multiple lines of computational evidence Polyphen - benign, SIFT - tolerated and MutationTaster - disease causing predicts conflicting evidence on protein structure and function for this variant. The amino acid change p.Ala258Val in PRDM13 is predicted as conserved by GERP++ and PhyloP across 100 vertebrates. The amino acid Ala at position 258 is changed to a Val changing protein sequence and it might alter its composition and physico-chemical properties. For these reasons, this variant has been classified as Uncertain Significance VUS.

Blueprint Genetics
Classification: Uncertain significance. Last evaluated: 2022-08-31. Review status: criteria provided, single submitter. Criteria: ACMG Guidelines, 2015. Collection method: clinical testing. Allele origin: germline.